The following is an entry in ClinVar:

NM_000182.5(HADHA):c.2131C>A (p.Pro711Thr)

Genes: GAREM2 (GRB2 associated regulator of MAPK1 subtype 2; plus strand), HADHA (hydroxyacyl-CoA dehydrogenase trifunctional multienzyme complex subunit alpha; minus strand). Cytogenetic location: 2p23.3.
Variant type: single nucleotide variant.
Coding change: c.2131C>A on transcript NM_000182.5 (MANE Select); coding-DNA position 2131, C replaced by A.
Protein change: p.Pro711Thr; replaces proline 711 with threonine.
Molecular consequence: missense variant.
Genome position (GRCh38, 1-based): chr2:26,191,498, G>T on the plus strand (C>A on the coding strand, the complement: HADHA is on the minus strand). VCF-style: chr2-26191498-G-T. GRCh37 (hg19) VCF-style: chr2-26414367-G-T.
Other names: p.Pro711Thr; short protein forms P711T.
Identifiers: ClinVar variation 1202151 (VCV001202151.15), dbSNP rs138966725, ClinGen allele CA1559370.
Genomic context (GRCh38, chr2:26,191,498, plus strand): 5'-GGCTCCAGGCTAAAGTGAGCTTCCTTCCCAACCTGCGAGACCAACCTCCCAGACAAGGCG[G>T]GAAGCCAAGCCCAAAGACGGCTCCGATGTCTCCCTCTGCAGGTGTGGCCAAGATCCCCTC-3'
Protein context (NP_000173.2, residues 701-721): DIGAVFGLGF[Pro711Thr]PCLGGPFRFV

ClinVar aggregate classification (germline): Uncertain significance. Review status: criteria provided, multiple submitters, no conflicts (2 of 4 stars). 8 submissions from 8 submitters: Uncertain significance (7). 1 of the submissions does not count toward it. Last evaluated 2025-11-03.

Conditions:
Inborn genetic diseases. Identifiers: MedGen C0950123, MeSH D030342.
Long chain 3-hydroxyacyl-CoA dehydrogenase deficiency. Also called: Deficiency of long-chain 3-hydroxyacyl-coenzyme A dehydrogenase; LCHAD Deficiency. Identifiers: Orphanet 5, MedGen C3711645, MONDO:0012173, OMIM 609016.
Mitochondrial trifunctional protein deficiency. Identifiers: Orphanet 746, MedGen C1969443, MONDO:0012172.
HADHA-related disorder. Also called: HADHA-related condition; HADHA-related disorders.

Allele frequency attached by ClinVar (database versions not stated): ExAC 0.00012; TOPMed 0.00018; gnomAD exomes 0.00020; ESP Exome Variant Server 0.00031.
gnomAD v4.1: 788 of 1,614,060 alleles (0.049%); highest among the groups gnomAD compares: Non-Finnish European, 0.063%; no homozygotes.

Submissions (8):

GeneDx
Classification: Uncertain significance. Last evaluated: 2025-11-03. Review status: criteria provided, single submitter. Criteria: GeneDx Variant Classification Process June 2021. Collection method: clinical testing. Allele origin: germline. Affected: yes.
Comment: In silico analysis supports that this missense variant has a deleterious effect on protein structure/function; Has not been previously published as pathogenic or benign to our knowledge

PreventionGenetics, part of Exact Sciences
Classification: Uncertain significance for HADHA-related condition. Last evaluated: 2025-03-11. Review status: criteria provided, single submitter. Criteria: ACMG Guidelines, 2015. Collection method: clinical testing. Allele origin: germline.
Comment: The HADHA c.2131C>A variant is predicted to result in the amino acid substitution p.Pro711Thr. To our knowledge, this variant has not been reported in the literature. This variant is reported in 0.032% of alleles in individuals of European (Non-Finnish) descent in gnomAD. Although we suspect that this variant may be benign, at this time, the clinical significance of this variant is uncertain due to the absence of conclusive functional and genetic evidence.

Labcorp Genetics (formerly Invitae), Labcorp
Classification: Uncertain significance for Mitochondrial trifunctional protein deficiency; Long chain 3-hydroxyacyl-CoA dehydrogenase deficiency. Last evaluated: 2024-12-28. Review status: criteria provided, single submitter. Criteria: Invitae Variant Classification Sherloc (09022015). Collection method: clinical testing. Allele origin: germline.
Comment: This sequence change replaces proline, which is neutral and non-polar, with threonine, which is neutral and polar, at codon 711 of the HADHA protein (p.Pro711Thr). This variant is present in population databases (rs138966725, gnomAD 0.03%). This variant has not been reported in the literature in individuals affected with HADHA-related conditions. ClinVar contains an entry for this variant (Variation ID: 1202151). Invitae Evidence Modeling of protein sequence and biophysical properties (such as structural, functional, and spatial information, amino acid conservation, physicochemical variation, residue mobility, and thermodynamic stability) indicates that this missense variant is expected to disrupt HADHA protein function with a positive predictive value of 80%. In summary, the available evidence is currently insufficient to determine the role of this variant in disease. Therefore, it has been classified as a Variant of Uncertain Significance.

Blueprint Genetics
Classification: Uncertain significance. Last evaluated: 2024-06-26. Review status: criteria provided, single submitter. Criteria: ACMG Guidelines, 2015. Collection method: clinical testing. Allele origin: germline.

Mayo Clinic Laboratories, Mayo Clinic
Classification: Uncertain significance. Last evaluated: 2024-06-03. Review status: criteria provided, single submitter. Criteria: ACMG Guidelines, 2015. Collection method: clinical testing. Allele origin: germline. Observed: 1 variant allele.
Comment: PP3, PM2

Fulgent Genetics
Classification: Uncertain significance for Mitochondrial trifunctional protein deficiency 1; Long chain 3-hydroxyacyl-CoA dehydrogenase deficiency. Last evaluated: 2021-07-27. Review status: criteria provided, single submitter. Criteria: ACMG Guidelines, 2015. Collection method: clinical testing. Allele origin: unknown.

Ambry Genetics
Classification: Uncertain significance for Inborn genetic diseases. Last evaluated: 2021-06-22. Review status: criteria provided, single submitter. Criteria: Ambry Variant Classification Scheme 2023. Collection method: clinical testing. Allele origin: germline.

Natera, Inc.
Classification: Uncertain significance for Deficiency of long-chain 3-hydroxyacyl-coenzyme A dehydrogenase. Last evaluated: 2020-02-26. Review status: no assertion criteria provided. Collection method: clinical testing. Allele origin: germline. Not counted in ClinVar's aggregate classification.